The following is an entry in ClinVar:

NM_000316.3(PTH1R):c.178+15A>T

Gene: PTH1R (parathyroid hormone 1 receptor; plus strand). Cytogenetic location: 3p21.31.
Variant type: single nucleotide variant.
Coding change: c.178+15A>T on transcript NM_000316.3 (MANE Select); 15 bases into the intron after coding-DNA position 178, A replaced by T.
Molecular consequence: intron variant.
Genome position (GRCh38, 1-based): chr3:46,894,024, A>T. VCF-style: chr3-46894024-A-T. GRCh37 (hg19) VCF-style: chr3-46935514-A-T.
Other names: c.178+15A>T (NM_001184744.1).
Identifiers: ClinVar variation 4760638 (VCV004760638.1).

ClinVar aggregate classification (germline): Uncertain significance (1 of 4 stars; one submission).

gnomAD v4.1: 28 of 1,613,290 alleles (0.0017%); highest among the groups gnomAD compares: South Asian, 0.03%; no homozygotes.

Submission:

Labcorp Genetics (formerly Invitae), Labcorp
Classification: Uncertain significance. Last evaluated: 2025-10-08. Review status: criteria provided, single submitter. Criteria: Invitae Variant Classification Sherloc (09022015). Collection method: clinical testing. Allele origin: germline.
Comment: This sequence change falls in intron 4 of the PTH1R gene. It does not directly change the encoded amino acid sequence of the PTH1R protein. This variant is present in population databases (rs781607598, gnomAD 0.04%). This variant has not been reported in the literature in individuals affected with PTH1R-related conditions. Algorithms developed to predict the effect of sequence changes on RNA splicing suggest that this variant may create or strengthen a splice site. In summary, the available evidence is currently insufficient to determine the role of this variant in disease. Therefore, it has been classified as a Variant of Uncertain Significance.